The following is an entry in ClinVar:

NM_000815.5(GABRD):c.733A>G (p.Arg245Gly)

Gene: GABRD (gamma-aminobutyric acid type A receptor subunit delta; plus strand). Cytogenetic location: 1p36.33.
Variant type: single nucleotide variant.
Coding change: c.733A>G on transcript NM_000815.5 (MANE Select); coding-DNA position 733, A replaced by G.
Protein change: p.Arg245Gly; replaces arginine 245 with glycine.
Molecular consequence: missense variant.
Genome position (GRCh38, 1-based): chr1:2,029,152, A>G. VCF-style: chr1-2029152-A-G. GRCh37 (hg19) VCF-style: chr1-1960591-A-G.
Other names: short protein forms R245G.
Identifiers: ClinVar variation 2864964 (VCV002864964.3), dbSNP rs2525643967, ClinGen allele CA337959018.

ClinVar aggregate classification (germline): Uncertain significance (1 of 4 stars; one submission).

Conditions:
Idiopathic generalized epilepsy. Also called: Generalised epilepsy; EIG. Identifiers: MedGen C0270850, MONDO:0005579, OMIM 600669.

Submission:

Labcorp Genetics (formerly Invitae), Labcorp
Classification: Uncertain significance for Idiopathic generalized epilepsy. Last evaluated: 2023-05-16. Review status: criteria provided, single submitter. Criteria: Invitae Variant Classification Sherloc (09022015). Collection method: clinical testing. Allele origin: germline.
Comment: In summary, the available evidence is currently insufficient to determine the role of this variant in disease. Therefore, it has been classified as a Variant of Uncertain Significance. An algorithm developed to predict the effect of missense changes on protein structure and function (PolyPhen-2) suggests that this variant is likely to be disruptive. This variant has not been reported in the literature in individuals affected with GABRD-related conditions. This variant is not present in population databases (gnomAD no frequency). This sequence change replaces arginine, which is basic and polar, with glycine, which is neutral and non-polar, at codon 245 of the GABRD protein (p.Arg245Gly).